The following is an entry in ClinVar:

ClinVar aggregate classification (germline): Uncertain significance (1 of 4 stars; one submission).

Conditions:
Brugada syndrome. Also called: Sudden unexpected nocturnal death syndrome; Sudden unexplained nocturnal death syndrome; Sudden Unexplained Death Syndrome; Sudden Unexplained Nocturnal Death Syndrome (SUNDS). Identifiers: Orphanet 130, MedGen C1142166, MONDO:0015263.

Allele frequency attached by ClinVar (database versions not stated): gnomAD exomes below 0.00001; TOPMed below 0.00001; ExAC 0.00001; gnomAD 0.00001.
gnomAD v4.1: 7 of 1,614,008 alleles (0.00043%); highest among the groups gnomAD compares: East Asian, 0.0089%; no homozygotes.

Submission:

Labcorp Genetics (formerly Invitae), Labcorp
Classification: Uncertain significance for Brugada syndrome. Last evaluated: 2023-03-17. Review status: criteria provided, single submitter. Criteria: Invitae Variant Classification Sherloc (09022015). Collection method: clinical testing. Allele origin: germline.
Comment: In summary, the available evidence is currently insufficient to determine the role of this variant in disease. Therefore, it has been classified as a Variant of Uncertain Significance. Advanced modeling of protein sequence and biophysical properties (such as structural, functional, and spatial information, amino acid conservation, physicochemical variation, residue mobility, and thermodynamic stability) performed at Invitae indicates that this missense variant is not expected to disrupt KCNJ8 protein function. This variant has not been reported in the literature in individuals affected with KCNJ8-related conditions. This variant is present in population databases (rs773726063, gnomAD 0.02%). This sequence change replaces aspartic acid, which is acidic and polar, with glutamic acid, which is acidic and polar, at codon 251 of the KCNJ8 protein (p.Asp251Glu).

NM_004982.4(KCNJ8):c.753T>G (p.Asp251Glu)

Genes: KCNJ8 (potassium inwardly rectifying channel subfamily J member 8; minus strand), KCNJ8-AS1 (KCNJ8 antisense RNA 1; plus strand). Cytogenetic location: 12p12.1.
Variant type: single nucleotide variant.
Coding change: c.753T>G on transcript NM_004982.4 (MANE Select); coding-DNA position 753, T replaced by G.
Protein change: p.Asp251Glu; replaces aspartic acid 251 with glutamic acid.
Molecular consequence: missense variant.
Genome position (GRCh38, 1-based): chr12:21,766,245, A>C on the plus strand (T>G on the coding strand, the complement: KCNJ8 is on the minus strand). VCF-style: chr12-21766245-A-C. GRCh37 (hg19) VCF-style: chr12-21919179-A-C.
Other names: short protein forms D251E.
Identifiers: ClinVar variation 2891686 (VCV002891686.3), dbSNP rs773726063, ClinGen allele CA6480657.